The following is an entry in ClinVar:

ClinVar aggregate classification (germline): Pathogenic (1 of 4 stars; one submission).

Conditions:
Neurofibromatosis, type 1 (NF1). Also called: VON RECKLINGHAUSEN DISEASE; NEUROFIBROMATOSIS, TYPE I, SOMATIC; Peripheral type neurofibromatosis; Neurofibromatosis, type I. Identifiers: Orphanet 636, MedGen C0027831, MONDO:0018975, OMIM 162200. Disease mechanism: loss of function.

Submission:

Labcorp Genetics (formerly Invitae), Labcorp
Classification: Pathogenic for Neurofibromatosis, type 1. Last evaluated: 2024-10-19. Review status: criteria provided, single submitter. Criteria: Invitae Variant Classification Sherloc (09022015). Collection method: clinical testing. Allele origin: germline.
Comment: This sequence change creates a premature translational stop signal (p.Lys1105*) in the NF1 gene. It is expected to result in an absent or disrupted protein product. Loss-of-function variants in NF1 are known to be pathogenic (PMID: 10712197, 23913538). This variant is not present in population databases (gnomAD no frequency). This variant has not been reported in the literature in individuals affected with NF1-related conditions. Algorithms developed to predict the effect of sequence changes on RNA splicing suggest that this variant may disrupt the consensus splice site. For these reasons, this variant has been classified as Pathogenic.

Literature cited by the submitters: PubMed 10712197; PubMed 23913538.

NM_001042492.3(NF1):c.3312dup (p.Lys1105Ter)

Gene: NF1 (neurofibromin 1; plus strand). Cytogenetic location: 17q11.2.
Variant type: Duplication.
Coding change: c.3312dup on transcript NM_001042492.3 (MANE Select); coding-DNA position 3312, one base duplicated (T; older notation c.3312dupT).
Protein change: p.Lys1105Ter; replaces lysine 1105 with a stop codon.
Molecular consequence: nonsense. On other transcripts: frameshift variant (1).
Genome position (GRCh38, 1-based): chr17:31,232,187, T duplicated; the last of 2 consecutive T bases (chr17:31,232,186-31,232,187); duplicating either gives the same sequence. VCF-style (leftmost placement, unchanged base first): chr17-31232185-C-CT. GRCh37 (hg19) VCF-style: chr17-29559203-C-CT.
Other names: c.3312dup, p.Lys1105Terfs (NM_000267.4); short protein forms K1105*.
Identifiers: ClinVar variation 3723290 (VCV003723290.2).